The following is an entry in ClinVar:

ClinVar aggregate classification (germline): Conflicting classifications of pathogenicity. Review status: criteria provided, conflicting classifications (1 of 4 stars). 3 submissions from 2 submitters: Likely pathogenic (1); Uncertain significance (1). 1 of the submissions does not count toward it. Last evaluated 2024-03-14.

Conditions:
Hereditary spastic paraplegia 63. Also called: Spastic paraplegia 63, autosomal recessive. Identifiers: Orphanet 401805, MedGen C3810295, MONDO:0014305, OMIM 615686.
Pontocerebellar hypoplasia type 9. Identifiers: Orphanet 369920, MedGen C4014354, MONDO:0014351, OMIM 615809.
Global developmental delay (DD). Also called: Cognitive delay. Identifiers: MedGen C0557874, HP:0001263. Disease mechanism: loss of function.
Brain malformation. Also called: Brain malformations. Identifiers: Orphanet 199633, MedGen C0266449.
Seizure. Also called: Seizures. Identifiers: MedGen C0036572, HP:0001250.

Allele frequency attached by ClinVar (database versions not stated): TOPMed below 0.00001.
gnomAD v4.1: 8 of 1,613,822 alleles (0.0005%); highest among the groups gnomAD compares: South Asian, 0.0011%; no homozygotes.

Submissions (3):

Genomic Medicine Center of Excellence, King Faisal Specialist Hospital and Research Centre
Classification: Likely pathogenic for Pontocerebellar hypoplasia type 9. Last evaluated: 2024-03-14. Review status: criteria provided, single submitter. Criteria: ACMG Guidelines, 2015. Collection method: research. Allele origin: germline.

Labcorp Genetics (formerly Invitae), Labcorp
Classification: Uncertain significance for Pontocerebellar hypoplasia type 9; Hereditary spastic paraplegia 63. Last evaluated: 2022-01-03. Review status: criteria provided, single submitter. Criteria: Invitae Variant Classification Sherloc (09022015). Collection method: clinical testing. Allele origin: germline.
Comment: This sequence change replaces arginine, which is basic and polar, with glutamine, which is neutral and polar, at codon 540 of the AMPD2 protein (p.Arg540Gln). This variant is not present in population databases (gnomAD no frequency). In summary, the available evidence is currently insufficient to determine the role of this variant in disease. Therefore, it has been classified as a Variant of Uncertain Significance. Algorithms developed to predict the effect of missense changes on protein structure and function are either unavailable or do not agree on the potential impact of this missense change (SIFT: "Deleterious"; PolyPhen-2: "Probably Damaging"; Align-GVGD: "Class C0"). ClinVar contains an entry for this variant (Variation ID: 183289). This missense change has been observed in individual(s) with pontocerebellar hypoplasia (PMID: 25558065, 32552793).

Genomic Medicine Center of Excellence, King Faisal Specialist Hospital and Research Centre
Classification: Likely pathogenic for Global developmental delay; Epilepsy; Brain malformation. Last evaluated: 2014-12-01. Review status: no assertion criteria provided. Criteria: research. Collection method: research. Allele origin: germline. Affected: yes. Not counted in ClinVar's aggregate classification.

Literature cited by the submitters: PubMed 25558065 (cited by Labcorp Genetics (formerly Invitae), Labcorp and Genomic Medicine Center of Excellence, King Faisal Specialist Hospital and Research Centre); PubMed 32552793 (cited by Labcorp Genetics (formerly Invitae), Labcorp).

NM_001368809.2(AMPD2):c.1457G>A (p.Arg486Gln)

Genes: AMPD2 (adenosine monophosphate deaminase 2; plus strand), LOC126805822 (BRD4-independent group 4 enhancer GRCh37_chr1:110170748-110171947; plus strand). Cytogenetic location: 1p13.3.
Variant type: single nucleotide variant.
Coding change: c.1457G>A on transcript NM_001368809.2 (MANE Select); coding-DNA position 1457, G replaced by A.
Protein change: p.Arg486Gln; replaces arginine 486 with glutamine.
Molecular consequence: missense variant.
Genome position (GRCh38, 1-based): chr1:109,628,692, G>A. VCF-style: chr1-109628692-G-A. GRCh37 (hg19) VCF-style: chr1-110171314-G-A.
Other names: c.1265G>A, p.Arg422Gln (NM_001257361.2); c.1394G>A, p.Arg465Gln (NM_001308170.1); c.1457G>A, p.Arg486Gln (NM_004037.9); c.1376G>A, p.Arg459Gln (NM_139156.4); short protein forms R486Q, R459Q, R465Q, R422Q.
Identifiers: ClinVar variation 183289 (VCV000183289.8), dbSNP rs192669225, ClinGen allele CA249914.
Genomic context (GRCh38, chr1:109,628,692, plus strand): 5'-CTCATGTCTAGGAGGTGATGTCAGACCTGGAGGAGAGCAAATACCAGAATGCAGAGCTGC[G>A]GCTCTCCATTTACGGGCGCTCGAGGGATGAGTGGGACAAGCTGGCGCGCTGGGCCGTCAT-3'
Protein context (NP_001355738.1, residues 476-496): EESKYQNAEL[Arg486Gln]LSIYGRSRDE